The following is an entry in ClinVar:

NM_000152.5(GAA):c.2221G>A (p.Asp741Asn)

Gene: GAA (alpha glucosidase; plus strand). Cytogenetic location: 17q25.3.
Variant type: single nucleotide variant.
Coding change: c.2221G>A on transcript NM_000152.5 (MANE Select); coding-DNA position 2221, G replaced by A.
Protein change: p.Asp741Asn; replaces aspartic acid 741 with asparagine.
Molecular consequence: missense variant.
Genome position (GRCh38, 1-based): chr17:80,116,999, G>A. VCF-style: chr17-80116999-G-A. GRCh37 (hg19) VCF-style: chr17-78090798-G-A.
Other names: NM_000152.5(GAA):c.2221G>A; p.Asp741Asn; c.2221G>A, p.Asp741Asn (NM_001079803.3, NM_001079804.3); c.2221G>A (LRG_673t1, NM_000152.4); short protein forms D741N.
Identifiers: ClinVar variation 571521 (VCV000571521.17), dbSNP rs755272974, ClinGen allele CA8815660.

ClinVar aggregate classification (germline): Uncertain significance. Review status: reviewed by expert panel (3 of 4 stars). 10 submissions from 10 submitters: Uncertain significance (1). 9 of the submissions do not count toward it. Last evaluated 2025-05-06.

Conditions:
Cardiovascular phenotype. Identifiers: MedGen CN230736.
Glycogen storage disease, type II (IOPD). Also called: GLYCOGENOSIS, GENERALIZED, CARDIAC FORM; GSD II; Glucosidase acid-1,4-alpha deficiency; Glycogen storage disease type 2; Acid maltase deficiency disease; Aglucosidase alfa. Identifiers: Orphanet 365, MedGen C0017921, MONDO:0009290, OMIM 232300.

Allele frequency attached by ClinVar (database versions not stated): TOPMed 0.00001; ExAC 0.00002; gnomAD exomes below 0.00001 and 0.00001; gnomAD 0.00001.
gnomAD v4.1: 9 of 1,613,636 alleles (0.00056%); highest among the groups gnomAD compares: East Asian, 0.0067%; no homozygotes.

Submissions (10):

ClinGen Lysosomal Storage Disorder Variant Curation Expert Panel
Classification: Uncertain significance for Glycogen storage disease, type II. Last evaluated: 2025-05-06. Review status: reviewed by expert panel. Criteria: clingen_lsd_acmg_specifications_v2-1. Collection method: curation. Allele origin: germline. Inheritance: Autosomal recessive inheritance.
Comment: The NM_000152.5:c.2221G>A variant in GAA is a missense variant predicted to cause substitution of aspartic acid by asparagine at amino acid 741 (p.Asp741Asn). One proband with symptoms consistent with infantile-onset Pompe disease has been reported with this variant with documented deficiency of GAA activity (PMID: 29122469). This proband is compound heterozygous for the variant and a variant classified as pathogenic by the ClinGen Lysosomal Diseases VCEP, c.1978C>T (p.Arg660Cys) (PMID: 29122469) (PM3_supporting). Another proband with symptoms consistent with late-onset Pompe disease has been reported with this variant with documented deficiency of GAA activity (Duke University; PMID: 31904026, 32518148, 39983297). Additionally, both patients were treated with enzyme replacement therapy (PP4_Moderate). The c.2221G>A (p.Asp741Asn) and c.1477C>T (p.Pro493Ser) variants were confirmed in trans with the c.1978C>T (p.Arg660Cys) variant. The variants are confirmed in trans for this patient (Duke University). The highest population minor allele frequency in gnomAD v4.1.0 is 0.00009603 (6/62480 alleles) in the Remaining population, which is lower than the ClinGen Lysosomal Diseases VCEP’s threshold for PM2_Supporting (<0.001), meeting this criterion (PM2_supporting). The computational predictor REVEL gives a score of 0.828 which is above the threshold of 0.7, evidence that correlates with impact to GAA function (PP3_met). Two other missense variants, c.2222A>T (p.Asp741Val) (ClinVar Variation ID: 291139) and c.2223C>G (p.Asp741Glu) (ClinVar Variation ID: 526539), in the same codon have been reported. However, these variants have not been classified by the ClinGen Lysosomal Diseases VCEP and, therefore, this evidence is not sufficient to meet PM5 at any strength. There is a ClinVar entry for this variant (Variation ID: 571521). In summary, this variant meets the criteria to be classified as a variant of uncertain significance for Pompe disease. GAA-specific ACMG/AMP criteria met, based on the specifications of the ClinGen Lysosomal Diseases VCEP (Specifications Version 2.0): PM3_supporting, PP4_moderate, PM2_supporting, PP3_met). (Classification approved by the ClinGen Lysosomal Diseases Variant Curation Expert Panel on May 6, 2025).

Genomenon, Inc
Classification: Uncertain significance for Glycogen storage disease, type II. Last evaluated: 2026-07-01. Review status: criteria provided, single submitter. Criteria: Genomenon Sequence Variant Interpretation Standards - Updated. Collection method: curation. Allele origin: germline. Affected: no. Not counted in ClinVar's aggregate classification.
Comment: GAA p.Asp741Asn (c.2221G>A) is a missense variant that changes the amino acid at codon 741 from Aspartic acid to Asparagine. This variant has been reported in the published literature (PMID:33073007;32518148;29122469;33560568;38250073;31904026). It is absent or not present at a significant frequency in gnomAD. In silico models predict that this variant is possibly or probably damaging. In conclusion, we classify GAA p.Asp741Asn (c.2221G>A) as a variant of uncertain significance.

Myriad Genetics, Inc.
Classification: Uncertain significance for Glycogen storage disease, type II. Last evaluated: 2026-03-05. Review status: criteria provided, single submitter. Criteria: Myriad Autosomal Dominant, Autosomal Recessive and X-Linked Classification Criteria (2023). Collection method: clinical testing. Allele origin: unknown. Not counted in ClinVar's aggregate classification.
Comment: NM_000152.3(GAA):c.2221G>A(D741N) is a missense variant classified as a variant of uncertain significance in the context of Pompe disease. D741N has been observed in cases with relevant disease (PMID: 29122469, 32518148). Relevant functional assessments of this variant are not available in the literature. D741N has not been observed in referenced population frequency databases. In summary, there is insufficient evidence to classify NM_000152.3(GAA):c.2221G>A(D741N) as pathogenic or benign. Please note: this variant was assessed in the context of healthy population screening.

Ambry Genetics
Classification: Uncertain significance for Cardiovascular phenotype. Last evaluated: 2024-12-31. Review status: criteria provided, single submitter. Criteria: Ambry Variant Classification Scheme 2023. Collection method: clinical testing. Allele origin: germline. Not counted in ClinVar's aggregate classification.
Comment: The p.D741N variant (also known as c.2221G>A), located in coding exon 15 of the GAA gene, results from a G to A substitution at nucleotide position 2221. The aspartic acid at codon 741 is replaced by asparagine, an amino acid with highly similar properties. This variant has been identified in the homozygous state and/or in conjunction with other GAA variant(s) in individual(s) with features consistent with glycogen storage disease II (Mori M et al. Mol Genet Metab, 2017 Dec;122:189-197; Korlimarla A et al. Neurology, 2020 Aug;95:e718-e732). This amino acid position is highly conserved in available vertebrate species. In addition, the in silico prediction for this alteration is inconclusive. Based on the available evidence, the clinical significance of this variant remains unclear.

Mayo Clinic Laboratories, Mayo Clinic
Classification: Likely pathogenic. Last evaluated: 2024-12-06. Review status: criteria provided, single submitter. Criteria: ACMG Guidelines, 2015. Collection method: clinical testing. Allele origin: germline. Observed: 1 variant allele. Not counted in ClinVar's aggregate classification.
Comment: PP3_moderate, PP4, PM2_supporting, PM3

Labcorp Genetics (formerly Invitae), Labcorp
Classification: Uncertain significance for Glycogen storage disease, type II. Last evaluated: 2024-10-01. Review status: criteria provided, single submitter. Criteria: Invitae Variant Classification Sherloc (09022015). Collection method: clinical testing. Allele origin: germline. Not counted in ClinVar's aggregate classification.
Comment: This sequence change replaces aspartic acid, which is acidic and polar, with asparagine, which is neutral and polar, at codon 741 of the GAA protein (p.Asp741Asn). This variant is present in population databases (rs755272974, gnomAD 0.01%). This missense change has been observed in individual(s) with Pompe disease (PMID: 29122469, 31904026). ClinVar contains an entry for this variant (Variation ID: 571521). Invitae Evidence Modeling of protein sequence and biophysical properties (such as structural, functional, and spatial information, amino acid conservation, physicochemical variation, residue mobility, and thermodynamic stability) indicates that this missense variant is expected to disrupt GAA protein function with a positive predictive value of 95%. In summary, the available evidence is currently insufficient to determine the role of this variant in disease. Therefore, it has been classified as a Variant of Uncertain Significance.

Fulgent Genetics
Classification: Uncertain significance for Glycogen storage disease, type II. Last evaluated: 2024-04-26. Review status: criteria provided, single submitter. Criteria: ACMG Guidelines, 2015. Collection method: clinical testing. Allele origin: germline. Not counted in ClinVar's aggregate classification.

Revvity Omics, Revvity
Classification: Uncertain significance. Last evaluated: 2023-12-12. Review status: criteria provided, single submitter. Criteria: ACMG Guidelines, 2015. Collection method: clinical testing. Allele origin: germline. Not counted in ClinVar's aggregate classification.

Women's Health and Genetics/Laboratory Corporation of America, LabCorp
Classification: Uncertain significance. Last evaluated: 2022-11-29. Review status: criteria provided, single submitter. Criteria: LabCorp Variant Classification Summary - May 2015. Collection method: clinical testing. Allele origin: germline. Not counted in ClinVar's aggregate classification.
Comment: Variant summary: GAA c.2221G>A (p.Asp741Asn) results in a conservative amino acid change located in the Glycosyl hydrolase, all-beta domain (IPR013780) of the encoded protein sequence. Four of five in-silico tools predict a damaging effect of the variant on protein function. The variant allele was found at a frequency of 8e-06 in 250898 control chromosomes (gnomAD). The available data on variant occurrences in the general population are insufficient to allow any conclusion about variant significance. c.2221G>A has been reported in the literature in a case affected with infantile Glycogen Storage Disease, Type 2 (Pompe Disease) (example: Mori_2017). These data do not allow any conclusion about variant significance. To our knowledge, no experimental evidence demonstrating an impact on protein function has been reported. Two clinical diagnostic laboratories have submitted clinical-significance assessments for this variant to ClinVar after 2014 and all classified the variant as uncertain significance. Based on the evidence outlined above, the variant was classified as uncertain significance.

Natera, Inc.
Classification: Uncertain significance for Glycogen storage disease type II. Last evaluated: 2020-02-17. Review status: no assertion criteria provided. Collection method: clinical testing. Allele origin: germline. Not counted in ClinVar's aggregate classification.

Literature cited by the submitters: PubMed 33073007 (cited by Genomenon, Inc and Mayo Clinic Laboratories, Mayo Clinic); PubMed 32518148 (cited by 5 submitters); PubMed 29122469 (cited by 6 submitters); PubMed 33560568 (cited by Genomenon, Inc and Mayo Clinic Laboratories, Mayo Clinic); PubMed 38250073 (cited by Genomenon, Inc); PubMed 31904026 (cited by 4 submitters).